The following is an entry in ClinVar:

NM_006514.4(SCN10A):c.281T>G (p.Val94Gly)

Gene: SCN10A (sodium voltage-gated channel alpha subunit 10; minus strand). Cytogenetic location: 3p22.2.
Variant type: single nucleotide variant.
Coding change: c.281T>G on transcript NM_006514.4 (MANE Select); coding-DNA position 281, T replaced by G.
Protein change: p.Val94Gly; replaces valine 94 with glycine.
Molecular consequence: missense variant.
Genome position (GRCh38, 1-based): chr3:38,792,158, A>C on the plus strand (T>G on the coding strand, the complement: SCN10A is on the minus strand). VCF-style: chr3-38792158-A-C. GRCh37 (hg19) VCF-style: chr3-38833649-A-C.
Other names: c.281T>G, p.Val94Gly (NM_001293306.2, NM_001293307.2); short protein forms V94G.
Identifiers: ClinVar variation 703799 (VCV000703799.12), dbSNP rs202143516, ClinGen allele CA2321257.

ClinVar aggregate classification (germline): Conflicting classifications of pathogenicity. Review status: criteria provided, conflicting classifications (1 of 4 stars). 5 submissions from 5 submitters: Uncertain significance (1); Likely benign (4). Last evaluated 2025-04-08.

Conditions:
Brugada syndrome. Also called: Sudden unexpected nocturnal death syndrome; Sudden unexplained nocturnal death syndrome; Sudden Unexplained Death Syndrome; Sudden Unexplained Nocturnal Death Syndrome (SUNDS). Identifiers: Orphanet 130, MedGen C1142166, MONDO:0015263.
Cardiovascular phenotype. Identifiers: MedGen CN230736.
SCN10A-related disorder. Also called: SCN10A-related condition.
Brugada syndrome 1 (BRGDA1). Also called: RIGHT BUNDLE BRANCH BLOCK, ST SEGMENT ELEVATION, AND SUDDEN DEATH SYNDROME. Identifiers: Orphanet 130, MedGen C4551804, MONDO:0011001, OMIM 601144.

Allele frequency attached by ClinVar (database versions not stated): TOPMed 0.00003; ESP Exome Variant Server 0.00008; 1000 Genomes Project 30x 0.00031; gnomAD 0.00031 and 0.00033; 1000 Genomes Project 0.00040; gnomAD exomes 0.00059; ExAC 0.00081.

Submissions (5):

Labcorp Genetics (formerly Invitae), Labcorp
Classification: Likely benign for Brugada syndrome. Last evaluated: 2025-04-08. Review status: criteria provided, single submitter. Criteria: Invitae Variant Classification Sherloc (09022015). Collection method: clinical testing. Allele origin: germline.

PreventionGenetics, part of Exact Sciences
Classification: Likely benign for SCN10A-related condition. Last evaluated: 2024-12-11. Review status: criteria provided, single submitter. Criteria: ACMG Guidelines, 2015. Collection method: clinical testing. Allele origin: germline.
Comment: This variant is classified as likely benign based on ACMG/AMP sequence variant interpretation guidelines (Richards et al. 2015 PMID: 25741868, with internal and published modifications).

Blueprint Genetics
Classification: Likely benign. Last evaluated: 2024-10-23. Review status: criteria provided, single submitter. Criteria: ACMG Guidelines, 2015. Collection method: clinical testing. Allele origin: germline.

Ambry Genetics
Classification: Likely benign for Cardiovascular phenotype. Last evaluated: 2022-07-12. Review status: criteria provided, single submitter. Criteria: Ambry Variant Classification Scheme 2023. Collection method: clinical testing. Allele origin: germline.

Mendelics
Classification: Uncertain significance for Brugada syndrome 1. Last evaluated: 2019-05-28. Review status: criteria provided, single submitter. Criteria: Mendelics Assertion Criteria 2017. Collection method: clinical testing. Allele origin: unknown.